The following is an entry in ClinVar:

ClinVar aggregate classification (germline): Uncertain significance (1 of 4 stars; one submission).

Conditions:
Fetal akinesia deformation sequence 1 (FADS1). Also called: Pena-Shokeir syndrome type I; Fetal akinesia sequence. Identifiers: Orphanet 994, MedGen C1276035, MONDO:0100101, OMIM 208150, HP:0001989.
Congenital myasthenic syndrome 9. Also called: Myasthenic syndrome, congenital, 9, associated with acetylcholine receptor deficiency. Identifiers: Orphanet 590, MedGen C4225368, MONDO:0014587, OMIM 616325.

Allele frequency attached by ClinVar (database versions not stated): gnomAD exomes below 0.00001.
gnomAD v4.1: 9 of 1,595,616 alleles (0.00056%); highest among the groups gnomAD compares: African/African-American, 0.0027%; no homozygotes.

Submission:

Labcorp Genetics (formerly Invitae), Labcorp
Classification: Uncertain significance for Congenital myasthenic syndrome 9; Fetal akinesia deformation sequence 1. Last evaluated: 2022-03-18. Review status: criteria provided, single submitter. Criteria: Invitae Variant Classification Sherloc (09022015). Collection method: clinical testing. Allele origin: germline.
Comment: This sequence change falls in intron 11 of the MUSK gene. It does not directly change the encoded amino acid sequence of the MUSK protein. It affects a nucleotide within the consensus splice site. This variant is not present in population databases (gnomAD no frequency). This variant has not been reported in the literature in individuals affected with MUSK-related conditions. Variants that disrupt the consensus splice site are a relatively common cause of aberrant splicing (PMID: 17576681, 9536098). Algorithms developed to predict the effect of sequence changes on RNA splicing suggest that this variant may disrupt the consensus splice site. In summary, the available evidence is currently insufficient to determine the role of this variant in disease. Therefore, it has been classified as a Variant of Uncertain Significance.

Literature cited by the submitters: PubMed 17576681; PubMed 9536098.

NM_005592.4(MUSK):c.1384+5G>A

Gene: MUSK (muscle associated receptor tyrosine kinase; plus strand). Cytogenetic location: 9q31.3.
Variant type: single nucleotide variant.
Coding change: c.1384+5G>A on transcript NM_005592.4 (MANE Select); 5 bases into the intron after coding-DNA position 1384, G replaced by A.
Molecular consequence: intron variant.
Genome position (GRCh38, 1-based): chr9:110,776,660, G>A. VCF-style: chr9-110776660-G-A. GRCh37 (hg19) VCF-style: chr9-113538940-G-A.
Other names: c.1126+697G>A (NM_001166280.2); c.1096+697G>A (NM_001166281.2); c.124+697G>A (NM_001369398.1).
Identifiers: ClinVar variation 1451029 (VCV001451029.3), dbSNP rs536529195, ClinGen allele CA198354145.
Genomic context (GRCh38, chr9:110,776,660, plus strand): 5'-CTTAAAACAAATTTTTATCCTTTCCCCTTCAGATTATAACAAAGAAAACCTAAAAAGTAA[G>A]TAATTGTGTTTGTGCCCTTGAAACCTTATGTGTATGTAATTGGATTCATGCATGTGTGTT-3'